The following is an entry in ClinVar:

NM_001384732.1(CPLANE1):c.338C>A (p.Ala113Glu)

Gene: CPLANE1 (ciliogenesis and planar polarity effector complex subunit 1; minus strand). Cytogenetic location: 5p13.2.
Variant type: single nucleotide variant.
Coding change: c.338C>A on transcript NM_001384732.1 (MANE Select); coding-DNA position 338, C replaced by A.
Protein change: p.Ala113Glu; replaces alanine 113 with glutamic acid.
Molecular consequence: missense variant.
Genome position (GRCh38, 1-based): chr5:37,244,607, G>T on the plus strand (C>A on the coding strand, the complement: CPLANE1 is on the minus strand). VCF-style: chr5-37244607-G-T. GRCh37 (hg19) VCF-style: chr5-37244709-G-T.
Other names: c.338C>A, p.Ala113Glu (NM_023073.4); short protein forms A113E.
Identifiers: ClinVar variation 1460716 (VCV001460716.7), dbSNP rs534807606, ClinGen allele CA3239189.

ClinVar aggregate classification (germline): Conflicting classifications of pathogenicity. Review status: criteria provided, conflicting classifications (1 of 4 stars). 5 submissions from 5 submitters: Uncertain significance (4); Likely benign (1). Last evaluated 2025-03-19.

Conditions:
CPLANE1-related disorder. Also called: CPLANE1-related condition.
Joubert syndrome 17 (JBTS17). Identifiers: Orphanet 475, MedGen C3553264, MONDO:0013824, OMIM 614615.
Orofaciodigital syndrome type 6 (OFD6). Also called: OROFACIODIGITAL SYNDROME VI; OFDS VI; POLYDACTYLY, CLEFT LIP/PALATE OR LINGUAL LUMP, AND PSYCHOMOTOR RETARDATION; VARADI SYNDROME; VARADI-PAPP SYNDROME; Oral-facial-digital syndrome type 6. Identifiers: Orphanet 2754, MedGen C2745997, MONDO:0010176, OMIM 277170.

Allele frequency attached by ClinVar (database versions not stated): gnomAD exomes 0.00003 and 0.00012; ExAC 0.00019; TOPMed 0.00037; 1000 Genomes Project 0.00080; 1000 Genomes Project 30x 0.00109.
gnomAD v4.1: 110 of 1,512,928 alleles (0.0073%); highest among the groups gnomAD compares: African/African-American, 0.14%; no homozygotes.

Submissions (5):

PreventionGenetics, part of Exact Sciences
Classification: Likely benign for CPLANE1-related condition. Last evaluated: 2025-03-19. Review status: criteria provided, single submitter. Criteria: ACMG Guidelines, 2015. Collection method: clinical testing. Allele origin: germline.
Comment: This variant is classified as likely benign based on ACMG/AMP sequence variant interpretation guidelines (Richards et al. 2015 PMID: 25741868, with internal and published modifications).

Blueprint Genetics
Classification: Uncertain significance. Last evaluated: 2023-09-18. Review status: criteria provided, single submitter. Criteria: ACMG Guidelines, 2015. Collection method: clinical testing. Allele origin: germline.

GeneDx
Classification: Uncertain significance. Last evaluated: 2022-08-30. Review status: criteria provided, single submitter. Criteria: GeneDx Variant Classification Process June 2021. Collection method: clinical testing. Allele origin: germline. Affected: yes.
Comment: In silico analysis supports that this missense variant does not alter protein structure/function; Has not been previously published as pathogenic or benign to our knowledge

Labcorp Genetics (formerly Invitae), Labcorp
Classification: Uncertain significance. Last evaluated: 2022-08-16. Review status: criteria provided, single submitter. Criteria: Invitae Variant Classification Sherloc (09022015). Collection method: clinical testing. Allele origin: germline.
Comment: This sequence change replaces alanine, which is neutral and non-polar, with glutamic acid, which is acidic and polar, at codon 113 of the CPLANE1 protein (p.Ala113Glu). This variant is present in population databases (rs534807606, gnomAD 0.2%). This variant has not been reported in the literature in individuals affected with CPLANE1-related conditions. ClinVar contains an entry for this variant (Variation ID: 1460716). Algorithms developed to predict the effect of missense changes on protein structure and function output the following: SIFT: "Deleterious"; PolyPhen-2: "Benign"; Align-GVGD: "Class C0". The glutamic acid amino acid residue is found in multiple mammalian species, which suggests that this missense change does not adversely affect protein function. In summary, the available evidence is currently insufficient to determine the role of this variant in disease. Therefore, it has been classified as a Variant of Uncertain Significance.

Fulgent Genetics
Classification: Uncertain significance for Orofaciodigital syndrome type 6; Joubert syndrome 17. Last evaluated: 2021-12-07. Review status: criteria provided, single submitter. Criteria: ACMG Guidelines, 2015. Collection method: clinical testing. Allele origin: unknown.